The following is an entry in ClinVar:

ClinVar aggregate classification (germline): Benign (1 of 4 stars; one submission).

Allele frequency attached by ClinVar (database versions not stated): 1000 Genomes Project 30x 0.00312; 1000 Genomes Project 0.00339; TOPMed 0.00737; gnomAD 0.00771; gnomAD exomes 0.01087.
gnomAD v4.1: 13,833 of 1,326,902 alleles (1%); highest among the groups gnomAD compares: Non-Finnish European, 1.2%; 88 homozygotes.

Submission:

CeGaT Center for Human Genetics Tuebingen
Classification: Benign. Last evaluated: 2023-07-01. Review status: criteria provided, single submitter. Criteria: CeGaT Center For Human Genetics Tuebingen Variant Classification Criteria Version 2. Collection method: clinical testing. Allele origin: germline. Affected: yes. Observed: 5 variant alleles.
Comment: MTFMT: BS1, BS2

NM_139242.4(MTFMT):c.209+109A>G

Genes: MTFMT (mitochondrial methionyl-tRNA formyltransferase; minus strand), LOC130057308 (ATAC-STARR-seq lymphoblastoid silent region 6549; plus strand). Cytogenetic location: 15q22.31.
Variant type: single nucleotide variant.
Coding change: c.209+109A>G on transcript NM_139242.4 (MANE Select); 109 bases into the intron after coding-DNA position 209, A replaced by G.
Molecular consequence: intron variant.
Genome position (GRCh38, 1-based): chr15:65,029,296, T>C on the plus strand (A>G on the coding strand, the complement: MTFMT is on the minus strand). VCF-style: chr15-65029296-T-C. GRCh37 (hg19) VCF-style: chr15-65321634-T-C.
Identifiers: ClinVar variation 2645452 (VCV002645452.24), dbSNP rs111359657, ClinGen allele CA271504601.